The following is an entry in ClinVar:

NM_080473.5(GATA5):c.781G>T (p.Glu261Ter)

Gene: GATA5 (GATA binding protein 5; minus strand). Cytogenetic location: 20q13.33.
Variant type: single nucleotide variant.
Coding change: c.781G>T on transcript NM_080473.5 (MANE Select); coding-DNA position 781, G replaced by T.
Protein change: p.Glu261Ter; replaces glutamic acid 261 with a stop codon.
Molecular consequence: nonsense.
Genome position (GRCh38, 1-based): chr20:62,466,470, C>A on the plus strand (G>T on the coding strand, the complement: GATA5 is on the minus strand). VCF-style: chr20-62466470-C-A. GRCh37 (hg19) VCF-style: chr20-61041526-C-A.
Other names: short protein forms E261*.
Identifiers: ClinVar variation 4723405 (VCV004723405.1).
Genomic context (GRCh38, chr20:62,466,470, plus strand): 5'-CGGGGACCACACTCACCCCGTGCAGCTTCATGTAGAGGCCGCAGGCATTGCACACGGGCT[C>A]CCCCTCCGAGTTCCGCCGCCACAGCGTGGTGTTGGTCGTGTGGCAGTTGGTGCAGCAGAG-3'

ClinVar aggregate classification (germline): Uncertain significance (1 of 4 stars; one submission).

Submission:

Labcorp Genetics (formerly Invitae), Labcorp
Classification: Uncertain significance. Last evaluated: 2025-08-13. Review status: criteria provided, single submitter. Criteria: Invitae Variant Classification Sherloc (09022015). Collection method: clinical testing. Allele origin: germline.
Comment: This sequence change creates a premature translational stop signal (p.Glu261*) in the GATA5 gene. It is expected to result in an absent or disrupted protein product. However, the current clinical and genetic evidence is not sufficient to establish whether loss-of-function variants in GATA5 cause disease. This variant is not present in population databases (gnomAD no frequency). This variant has not been reported in the literature in individuals affected with GATA5-related conditions. In summary, the available evidence is currently insufficient to determine the role of this variant in disease. Therefore, it has been classified as a Variant of Uncertain Significance.